The following is an entry in ClinVar:

ClinVar aggregate classification (germline): Uncertain significance. Review status: criteria provided, multiple submitters, no conflicts (2 of 4 stars). 3 submissions from 3 submitters: Uncertain significance (3). Last evaluated 2025-01-06.

Conditions:
Hereditary cancer-predisposing syndrome. Also called: Neoplastic Syndromes, Hereditary; Hereditary neoplastic syndrome; Tumor predisposition; Hereditary Cancer Syndrome. Identifiers: Orphanet 140162, MedGen C0027672, MeSH D009386, MONDO:0015356.
Neuroblastoma, susceptibility to, 3. Also called: ALK-Related Neuroblastic Tumor Susceptibility. Identifiers: Orphanet 635, MedGen C2751681, MONDO:0013083, OMIM 613014.

Allele frequency attached by ClinVar (database versions not stated): ExAC 0.00002; gnomAD exomes 0.00002 and 0.00001; ESP Exome Variant Server 0.00008.

Submissions (3):

Labcorp Genetics (formerly Invitae), Labcorp
Classification: Uncertain significance for Neuroblastoma, susceptibility to, 3. Last evaluated: 2025-01-06. Review status: criteria provided, single submitter. Criteria: Invitae Variant Classification Sherloc (09022015). Collection method: clinical testing. Allele origin: germline.
Comment: This sequence change replaces serine, which is neutral and polar, with glycine, which is neutral and non-polar, at codon 409 of the ALK protein (p.Ser409Gly). This variant is present in population databases (rs374842018, gnomAD 0.003%). This variant has not been reported in the literature in individuals affected with ALK-related conditions. ClinVar contains an entry for this variant (Variation ID: 665340). An algorithm developed to predict the effect of missense changes on protein structure and function (PolyPhen-2) suggests that this variant is likely to be tolerated. In summary, the available evidence is currently insufficient to determine the role of this variant in disease. Therefore, it has been classified as a Variant of Uncertain Significance.

Ambry Genetics
Classification: Uncertain significance for Hereditary cancer-predisposing syndrome. Last evaluated: 2024-05-07. Review status: criteria provided, single submitter. Criteria: Ambry Variant Classification Scheme 2023. Collection method: clinical testing. Allele origin: germline.
Comment: The p.S409G variant (also known as c.1225A>G), located in coding exon 5 of the ALK gene, results from an A to G substitution at nucleotide position 1225. The serine at codon 409 is replaced by glycine, an amino acid with similar properties. This amino acid position is conserved. In addition, this alteration is predicted to be tolerated by in silico analysis. Since supporting evidence is limited at this time, the clinical significance of this alteration remains unclear.

Baylor Genetics
Classification: Uncertain significance for Neuroblastoma, susceptibility to, 3. Last evaluated: 2023-11-22. Review status: criteria provided, single submitter. Criteria: ACMG Guidelines, 2015. Collection method: clinical testing. Allele origin: unknown.

NM_004304.5(ALK):c.1225A>G (p.Ser409Gly)

Gene: ALK (ALK receptor tyrosine kinase; minus strand). Cytogenetic location: 2p23.2.
Variant type: single nucleotide variant.
Coding change: c.1225A>G on transcript NM_004304.5 (MANE Select); coding-DNA position 1225, A replaced by G.
Protein change: p.Ser409Gly; replaces serine 409 with glycine.
Molecular consequence: missense variant.
Genome position (GRCh38, 1-based): chr2:29,383,789, T>C on the plus strand (A>G on the coding strand, the complement: ALK is on the minus strand). VCF-style: chr2-29383789-T-C. GRCh37 (hg19) VCF-style: chr2-29606655-T-C.
Other names: short protein forms S409G.
Identifiers: ClinVar variation 665340 (VCV000665340.13), dbSNP rs374842018, ClinGen allele CA1594717.